The following is an entry in ClinVar:

ClinVar aggregate classification (germline): Uncertain significance. Review status: criteria provided, multiple submitters, no conflicts (2 of 4 stars). 4 submissions from 4 submitters: Uncertain significance (4). Last evaluated 2025-01-18.

Conditions:
Hereditary cancer-predisposing syndrome. Also called: Hereditary neoplastic syndrome; Neoplastic Syndromes, Hereditary; Tumor predisposition; Hereditary Cancer Syndrome. Identifiers: Orphanet 140162, MedGen C0027672, MeSH D009386, MONDO:0015356.
Colorectal cancer, susceptibility to, 12 (CRCS12). Also called: COLORECTAL CANCER, SUSCEPTIBILITY TO, ON CHROMOSOME 12q24. Identifiers: Orphanet 220460, MedGen C3554460, MONDO:0014038, OMIM 615083.

Allele frequency attached by ClinVar (database versions not stated): TOPMed 0.00001.

Submissions (4):

Ambry Genetics
Classification: Uncertain significance for Hereditary cancer-predisposing syndrome. Last evaluated: 2025-01-18. Review status: criteria provided, single submitter. Criteria: Ambry Variant Classification Scheme 2023. Collection method: clinical testing. Allele origin: germline.
Comment: The p.M383V variant (also known as c.1147A>G), located in coding exon 12 of the POLE gene, results from an A to G substitution at nucleotide position 1147. The methionine at codon 383 is replaced by valine, an amino acid with highly similar properties. This amino acid position is well conserved in available vertebrate species. In addition, the in silico prediction for this alteration is inconclusive. Based on the available evidence, the clinical significance of this variant remains unclear.

Labcorp Genetics (formerly Invitae), Labcorp
Classification: Uncertain significance. Last evaluated: 2024-12-22. Review status: criteria provided, single submitter. Criteria: Invitae Variant Classification Sherloc (09022015). Collection method: clinical testing. Allele origin: germline.
Comment: This sequence change replaces methionine, which is neutral and non-polar, with valine, which is neutral and non-polar, at codon 383 of the POLE protein (p.Met383Val). This variant is not present in population databases (gnomAD no frequency). This variant has not been reported in the literature in individuals affected with POLE-related conditions. ClinVar contains an entry for this variant (Variation ID: 246396). Invitae Evidence Modeling of protein sequence and biophysical properties (such as structural, functional, and spatial information, amino acid conservation, physicochemical variation, residue mobility, and thermodynamic stability) indicates that this missense variant is expected to disrupt POLE protein function with a positive predictive value of 80%. In summary, the available evidence is currently insufficient to determine the role of this variant in disease. Therefore, it has been classified as a Variant of Uncertain Significance.

Baylor Genetics
Classification: Uncertain significance for Colorectal cancer, susceptibility to, 12. Last evaluated: 2023-11-03. Review status: criteria provided, single submitter. Criteria: ACMG Guidelines, 2015. Collection method: clinical testing. Allele origin: unknown.

GeneDx
Classification: Uncertain significance. Last evaluated: 2016-02-10. Review status: criteria provided, single submitter. Criteria: GeneDx Variant Classification (06012015). Collection method: clinical testing. Allele origin: germline. Affected: yes.
Comment: This variant is denoted POLE c.1147A>G at the cDNA level, p.Met383Val (M383V) at the protein level, and results in the change of a Methionine to a Valine (ATG>GTG). This variant has not, to our knowledge, been published in the literature as pathogenic or benign. POLE Met383Val was not observed in approximately 6,500 individuals of European and African American ancestry in the NHLBI Exome Sequencing Project, suggesting it is not a common benign variant in these populations. Since Methionine and Valine share similar properties, this is considered a conservative amino acid substitution. POLE Met383Val occurs at a position that is conserved across species and is located in the exonuclease domain (Preston 2010). In silico analyses predict that this variant is probably damaging to protein structure and function. Based on currently available evidence, it is unclear whether POLE Met383Val is a pathogenic or benign variant. We consider it to be a variant of uncertain significance.

NM_006231.4(POLE):c.1147A>G (p.Met383Val)

Gene: POLE (DNA polymerase epsilon, catalytic subunit; minus strand). Cytogenetic location: 12q24.33.
Variant type: single nucleotide variant.
Coding change: c.1147A>G on transcript NM_006231.4 (MANE Select); coding-DNA position 1147, A replaced by G.
Protein change: p.Met383Val; replaces methionine 383 with valine.
Molecular consequence: missense variant.
Genome position (GRCh38, 1-based): chr12:132,675,477, T>C on the plus strand (A>G on the coding strand, the complement: POLE is on the minus strand). VCF-style: chr12-132675477-T-C. GRCh37 (hg19) VCF-style: chr12-133252063-T-C.
Other names: short protein forms M383V.
Identifiers: ClinVar variation 246396 (VCV000246396.13), dbSNP rs879254238, ClinGen allele CA10584412.